The following is an entry in ClinVar:

NM_001377265.1(MAPT):c.251G>C (p.Ser84Thr)

Gene: MAPT (microtubule associated protein tau). Cytogenetic location: 17q21.31.
Variant type: single nucleotide variant.
Coding change: c.251G>C on transcript NM_001377265.1 (MANE Select); coding-DNA position 251, G replaced by C.
Protein change: p.Ser84Thr; replaces serine 84 with threonine.
Molecular consequence: missense variant. On other transcripts: non-coding transcript variant (1).
Genome position (GRCh38, 1-based): chr17:45,978,405, G>C. VCF-style: chr17-45978405-G-C. GRCh37 (hg19) VCF-style: chr17-44055771-G-C.
Other names: c.338G>C, p.Ser113Thr (NM_001123066.4, NM_001203252.2, NM_005910.6 and 1 more transcripts); c.251G>C, p.Ser84Thr (NM_001123067.4, NM_001203251.2, NM_001377266.1 and 1 more transcripts); c.164G>C, p.Ser55Thr (NM_001377268.1, NM_016834.5, NM_016841.5); short protein forms S113T, S55T, S84T.
Identifiers: ClinVar variation 1714733 (VCV001714733.6), dbSNP rs2509702788, ClinGen allele CA399899426.

ClinVar aggregate classification (germline): Uncertain significance (1 of 4 stars; one submission).

Conditions:
Frontotemporal dementia (FTD1). Also called: Frontotemporal lobe dementia (FLDEM); Dementia, frontotemporal, with or without parkinsonism; FRONTOTEMPORAL LOBAR DEGENERATION WITH TAU INCLUSIONS; FTLD WITH TAU INCLUSIONS; FRONTOTEMPORAL DEMENTIA WITH PARKINSONISM; FRONTOTEMPORAL LOBE DEMENTIA. Identifiers: Orphanet 282, MedGen C0338451, MONDO:0017276, OMIM 600274, HP:0002145.

Submission:

Labcorp Genetics (formerly Invitae), Labcorp
Classification: Uncertain significance for Frontotemporal dementia. Last evaluated: 2025-04-21. Review status: criteria provided, single submitter. Criteria: Invitae Variant Classification Sherloc (09022015). Collection method: clinical testing. Allele origin: germline.
Comment: This sequence change replaces serine, which is neutral and polar, with threonine, which is neutral and polar, at codon 113 of the MAPT protein (p.Ser113Thr). This variant is not present in population databases (gnomAD no frequency). This variant has not been reported in the literature in individuals affected with MAPT-related conditions. ClinVar contains an entry for this variant (Variation ID: 1714733). An algorithm developed to predict the effect of missense changes on protein structure and function outputs the following: PolyPhen-2: "Benign". The threonine amino acid residue is found in multiple mammalian species, which suggests that this missense change does not adversely affect protein function. In summary, the available evidence is currently insufficient to determine the role of this variant in disease. Therefore, it has been classified as a Variant of Uncertain Significance.